The following is an entry in ClinVar:

ClinVar aggregate classification (germline): Uncertain significance (1 of 4 stars; one submission).

Submission:

Labcorp Genetics (formerly Invitae), Labcorp
Classification: Uncertain significance. Last evaluated: 2022-01-16. Review status: criteria provided, single submitter. Criteria: Invitae Variant Classification Sherloc (09022015). Collection method: clinical testing. Allele origin: germline.
Comment: This variant is not present in population databases (gnomAD no frequency). In summary, the available evidence is currently insufficient to determine the role of this variant in disease. Therefore, it has been classified as a Variant of Uncertain Significance. Algorithms developed to predict the effect of missense changes on protein structure and function output the following: SIFT: "Tolerated"; PolyPhen-2: "Benign"; Align-GVGD: "Class C0". The arginine amino acid residue is found in multiple mammalian species, which suggests that this missense change does not adversely affect protein function. This variant has not been reported in the literature in individuals affected with MYLK3-related conditions. This sequence change replaces glycine, which is neutral and non-polar, with arginine, which is basic and polar, at codon 371 of the MYLK3 protein (p.Gly371Arg).

NM_182493.3(MYLK3):c.1111G>C (p.Gly371Arg)

Gene: MYLK3 (myosin light chain kinase 3; minus strand). Cytogenetic location: 16q11.2.
Variant type: single nucleotide variant.
Coding change: c.1111G>C on transcript NM_182493.3 (MANE Select); coding-DNA position 1111, G replaced by C.
Protein change: p.Gly371Arg; replaces glycine 371 with arginine.
Molecular consequence: missense variant.
Genome position (GRCh38, 1-based): chr16:46,732,559, C>G on the plus strand (G>C on the coding strand, the complement: MYLK3 is on the minus strand). VCF-style: chr16-46732559-C-G. GRCh37 (hg19) VCF-style: chr16-46766471-C-G.
Other names: c.88G>C, p.Gly30Arg (NM_001308301.1); short protein forms G371R, G30R.
Identifiers: ClinVar variation 2085155 (VCV002085155.4), dbSNP rs2548906082, ClinGen allele CA395792912.